The following is an entry in ClinVar:

NM_001201543.2(FAM161A):c.1153C>G (p.Gln385Glu)

Gene: FAM161A (FAM161 centrosomal protein A; minus strand). Cytogenetic location: 2p15.
Variant type: single nucleotide variant.
Coding change: c.1153C>G on transcript NM_001201543.2 (MANE Select); coding-DNA position 1153, C replaced by G.
Protein change: p.Gln385Glu; replaces glutamine 385 with glutamic acid.
Molecular consequence: missense variant. On other transcripts: non-coding transcript variant (1).
Genome position (GRCh38, 1-based): chr2:61,839,851, G>C on the plus strand (C>G on the coding strand, the complement: FAM161A is on the minus strand). VCF-style: chr2-61839851-G-C. GRCh37 (hg19) VCF-style: chr2-62066986-G-C.
Other names: c.1153C>G, p.Gln385Glu (NM_032180.3); short protein forms Q385E.
Identifiers: ClinVar variation 96216 (VCV000096216.45), dbSNP rs139266382, ClinGen allele CA223829.

ClinVar aggregate classification (germline): Conflicting classifications of pathogenicity. Review status: criteria provided, conflicting classifications (1 of 4 stars). 7 submissions from 7 submitters: Uncertain significance (1); Benign (1); Likely benign (2). 3 of the submissions do not count toward it. Last evaluated 2026-02-04.

Conditions:
FAM161A-related disorder. Also called: FAM161A-related condition.
Retinitis pigmentosa 28 (RP28). Identifiers: Orphanet 791, MedGen C1419614, MONDO:0011630, OMIM 606068.
Retinitis pigmentosa (RP). Identifiers: Orphanet 791, MedGen C0035334, MeSH D012174, MONDO:0019200, OMIM 268000. Inheritance: Autosomal dominant, autosomal recessive and X linked inheritance.

Allele frequency attached by ClinVar (database versions not stated): 1000 Genomes Project 30x 0.00062; 1000 Genomes Project 0.00080; TOPMed 0.00278; ExAC 0.00376; gnomAD 0.00309 and 0.00297; ESP Exome Variant Server 0.00352; gnomAD exomes 0.00333.
gnomAD v4.1: 7,401 of 1,614,218 alleles (0.46%); highest among the groups gnomAD compares: Non-Finnish European, 0.58%; 22 homozygotes.

Submissions (7):

Labcorp Genetics (formerly Invitae), Labcorp
Classification: Benign. Last evaluated: 2026-02-04. Review status: criteria provided, single submitter. Criteria: Invitae Variant Classification Sherloc (09022015). Collection method: clinical testing. Allele origin: germline.

CeGaT Center for Human Genetics Tuebingen
Classification: Likely benign. Last evaluated: 2025-05-01. Review status: criteria provided, single submitter. Criteria: CeGaT Center For Human Genetics Tuebingen Variant Classification Criteria Version 2. Collection method: clinical testing. Allele origin: germline. Affected: yes. Observed: 3 variant alleles.
Comment: FAM161A: BP4, BS2

Illumina Laboratory Services, Illumina
Classification: Likely benign for Retinitis pigmentosa. Last evaluated: 2017-04-27. Review status: criteria provided, single submitter. Criteria: ICSL Variant Classification Criteria 13 December 2019. Collection method: clinical testing. Allele origin: germline.
Comment: This variant was observed as part of a predisposition screen in an ostensibly healthy population. A literature search was performed for the gene, cDNA change, and amino acid change (where applicable). Publications were found based on this search. The evidence from the literature, in combination with allele frequency data from public databases where available, was sufficient to determine this variant is unlikely to cause disease. Therefore, this variant is classified as likely benign.

Eurofins Ntd Llc (ga)
Classification: Uncertain significance. Last evaluated: 2013-08-16. Review status: criteria provided, single submitter. Criteria: EGL Classification Definitions 2015. Collection method: clinical testing. Allele origin: germline. Observed: 3 variant alleles, 3 heterozygotes.

Natera, Inc.
Classification: Likely benign for Retinitis pigmentosa type 28. Last evaluated: 2020-06-17. Review status: no assertion criteria provided. Collection method: clinical testing. Allele origin: germline. Not counted in ClinVar's aggregate classification.

PreventionGenetics, part of Exact Sciences
Classification: Likely benign for FAM161A-related condition. Last evaluated: 2019-09-13. Review status: no assertion criteria provided. Collection method: clinical testing. Allele origin: germline. Not counted in ClinVar's aggregate classification.
Comment: This variant is classified as likely benign based on ACMG/AMP sequence variant interpretation guidelines (Richards et al. 2015 PMID: 25741868, with internal and published modifications).

Department of Pathology and Laboratory Medicine, Sinai Health System
Classification: Likely benign. Review status: no assertion criteria provided. Collection method: clinical testing. Allele origin: unknown. Affected: yes. Study: The Canadian Open Genetics Repository (COGR). Not counted in ClinVar's aggregate classification.
Comment: The FAM161A p.Gln385Glu variant was identified in 1/273 unrelated patients with retinitis pigmentosa (freq=0.002) and 2/270 healthy controls (freq=0.004) (Venturini_2014_PMID: 24651477). There are also no pathogenic missense variants in FAM161A reported in ClinVar. The variant was also identified in dbSNP (ID: rs139266382), LOVD 3.0 (reported as likely benign) and ClinVar (classified as a variant of uncertain significance by EGL Genetic Diagnostics and Praxis fuer Humangenetik Tuebingen). The variant was not identified in Cosmic. The variant was identified in control databases in 945 of 279988 chromosomes (5 homozygous) at a frequency of 0.003375 increasing the likelihood this could be a low frequency benign variant (Genome Aggregation Database Feb 27, 2017). The variant was observed in the following populations: European (non-Finnish) in 785 of 127800 chromosomes (freq: 0.006142), Other in 17 of 7126 chromosomes (freq: 0.002386), European (Finnish) in 59 of 25038 chromosomes (freq: 0.002356), African in 26 of 24182 chromosomes (freq: 0.001075), South Asian in 25 of 30600 chromosomes (freq: 0.000817), Latino in 28 of 35366 chromosomes (freq: 0.000792) and Ashkenazi Jewish in 5 of 10342 chromosomes (freq: 0.000484); it was not observed in the East Asian population. The variant occurs outside of the splicing consensus sequence and in silico or computational prediction software programs (SpliceSiteFinder, MaxEntScan, NNSPLICE, and GeneSplicer) do not predict a difference in splicing. The p.Gln385 residue is not conserved in mammals and four out of five computational analyses (SIFT, AlignGVGD, BLOSUM, and MutationTaster) do not suggest a high likelihood of impact to the protein; however, this information is not predictive enough to rule out pathogenicity. In summary, based on the above information the clinical significance of this variant cannot be determined with certainty at this time although we would lean towards a more benign role for this variant. This variant is classified as likely benign.

Literature cited by the submitters: PubMed 20705278 (cited by Illumina Laboratory Services, Illumina); PubMed 24651477 (cited by Illumina Laboratory Services, Illumina).